The following is an entry in ClinVar:

ClinVar aggregate classification (germline): Benign/Likely benign. Review status: criteria provided, multiple submitters, no conflicts (2 of 4 stars). 4 submissions from 4 submitters: Benign (1); Likely benign (3). Last evaluated 2025-02-07.

Conditions:
Hereditary cancer-predisposing syndrome. Also called: Tumor predisposition; Hereditary neoplastic syndrome; Hereditary Cancer Syndrome; Neoplastic Syndromes, Hereditary. Identifiers: Orphanet 140162, MedGen C0027672, MeSH D009386, MONDO:0015356.
Colorectal cancer, susceptibility to, 12 (CRCS12). Also called: COLORECTAL CANCER, SUSCEPTIBILITY TO, ON CHROMOSOME 12q24. Identifiers: Orphanet 220460, MedGen C3554460, MONDO:0014038, OMIM 615083.

Submissions (4):

Myriad Genetics, Inc.
Classification: Benign for Colorectal cancer, susceptibility to, 12. Last evaluated: 2025-02-07. Review status: criteria provided, single submitter. Criteria: Myriad Autosomal Dominant, Autosomal Recessive and X-Linked Classification Criteria (2023). Collection method: clinical testing. Allele origin: unknown.
Comment: This variant is considered benign. This variant is a silent/synonymous amino acid change and it is not expected to impact splicing.

Labcorp Genetics (formerly Invitae), Labcorp
Classification: Likely benign. Last evaluated: 2022-06-08. Review status: criteria provided, single submitter. Criteria: Invitae Variant Classification Sherloc (09022015). Collection method: clinical testing. Allele origin: germline.

Sema4
Classification: Likely benign for Hereditary cancer-predisposing syndrome. Last evaluated: 2021-01-26. Review status: criteria provided, single submitter. Criteria: Sema4 Curation Guidelines. Collection method: curation. Allele origin: germline.

Ambry Genetics
Classification: Likely benign for Hereditary cancer-predisposing syndrome. Last evaluated: 2019-09-04. Review status: criteria provided, single submitter. Criteria: Ambry Variant Classification Scheme 2023. Collection method: clinical testing. Allele origin: germline.

NM_006231.4(POLE):c.810G>A (p.Val270=)

Gene: POLE (DNA polymerase epsilon, catalytic subunit; minus strand). Cytogenetic location: 12q24.33.
Variant type: single nucleotide variant.
Coding change: c.810G>A on transcript NM_006231.4 (MANE Select); coding-DNA position 810, G replaced by A.
Protein change: p.Val270=; no amino-acid change (valine 270 retained).
Molecular consequence: synonymous variant.
Genome position (GRCh38, 1-based): chr12:132,676,645, C>T on the plus strand (G>A on the coding strand, the complement: POLE is on the minus strand). VCF-style: chr12-132676645-C-T. GRCh37 (hg19) VCF-style: chr12-133253231-C-T.
Identifiers: ClinVar variation 792704 (VCV000792704.15), dbSNP rs973650664, ClinGen allele CA246299197.